The following is an entry in ClinVar:

NM_001127222.2(CACNA1A):c.6760G>C (p.Glu2254Gln)

Genes: CACNA1A (calcium voltage-gated channel subunit alpha1 A; minus strand), LOC130063717 (ATAC-STARR-seq lymphoblastoid silent region 10203; plus strand). Cytogenetic location: 19p13.13.
Variant type: single nucleotide variant.
Coding change: c.6760G>C on transcript NM_001127222.2 (MANE Select); coding-DNA position 6760, G replaced by C.
Protein change: p.Glu2254Gln; replaces glutamic acid 2254 with glutamine.
Molecular consequence: missense variant.
Genome position (GRCh38, 1-based): chr19:13,208,776, C>G on the plus strand (G>C on the coding strand, the complement: CACNA1A is on the minus strand). VCF-style: chr19-13208776-C-G. GRCh37 (hg19) VCF-style: chr19-13319590-C-G.
Other names: c.6778G>C, p.Glu2260Gln (NM_000068.4, NM_023035.3); c.6763G>C, p.Glu2255Gln (NM_001127221.2); c.6769G>C, p.Glu2257Gln (NM_001174080.2); c.6760G>C (NM_001127222.1); short protein forms E2255Q, E2254Q, E2260Q, E2257Q.
Identifiers: ClinVar variation 421775 (VCV000421775.20), dbSNP rs779063280, ClinGen allele CA9239269.

ClinVar aggregate classification (germline): Conflicting classifications of pathogenicity. Review status: criteria provided, conflicting classifications (1 of 4 stars). 6 submissions from 6 submitters: Uncertain significance (1); Likely benign (5). Last evaluated 2025-12-01.

Conditions:
CACNA1A-related disorder. Also called: CACNA1A-related condition.
Developmental and epileptic encephalopathy, 42 (DEE42A). Also called: DEVELOPMENTAL AND EPILEPTIC ENCEPHALOPATHY 42A; EPILEPTIC ENCEPHALOPATHY, EARLY INFANTILE, 42A; Epileptic encephalopathy, early infantile, 42. Identifiers: MedGen C4310716, MONDO:0014917, OMIM 617106.
Episodic ataxia type 2 (EA2). Also called: ATAXIA, EPISODIC, WITH NYSTAGMUS; ATAXIA, FAMILIAL PAROXYSMAL; CEREBELLAR ATAXIA, PAROXYSMAL, ACETAZOLAMIDE-RESPONSIVE; CEREBELLOPATHY, HEREDITARY PAROXYSMAL; ACETAZOLAMIDE-RESPONSIVE HEREDITARY PAROXYSMAL CEREBELLAR ATAXIA; EPISODIC ATAXIA, NYSTAGMUS-ASSOCIATED. Identifiers: Orphanet 97, MedGen C1720416, MONDO:0007163, OMIM 108500.
Inborn genetic diseases. Identifiers: MedGen C0950123, MeSH D030342.

Allele frequency attached by ClinVar (database versions not stated): TOPMed 0.00012; gnomAD 0.00013 and 0.00014; gnomAD exomes 0.00015 and 0.00017; ExAC 0.00025.
gnomAD v4.1: 267 of 1,571,884 alleles (0.017%); highest among the groups gnomAD compares: Middle Eastern, 0.022%; no homozygotes.

Submissions (6):

CeGaT Center for Human Genetics Tuebingen
Classification: Uncertain significance. Last evaluated: 2025-12-01. Review status: criteria provided, single submitter. Criteria: CeGaT Center For Human Genetics Tuebingen Variant Classification Criteria Version 2. Collection method: clinical testing. Allele origin: germline. Affected: yes. Observed: 1 variant allele.
Comment: CACNA1A: PP3

Labcorp Genetics (formerly Invitae), Labcorp
Classification: Likely benign for Developmental and epileptic encephalopathy, 42; Episodic ataxia type 2. Last evaluated: 2025-09-02. Review status: criteria provided, single submitter. Criteria: Invitae Variant Classification Sherloc (09022015). Collection method: clinical testing. Allele origin: germline.

PreventionGenetics, part of Exact Sciences
Classification: Likely benign for CACNA1A-related condition. Last evaluated: 2025-02-14. Review status: criteria provided, single submitter. Criteria: ACMG Guidelines, 2015. Collection method: clinical testing. Allele origin: germline.
Comment: This variant is classified as likely benign based on ACMG/AMP sequence variant interpretation guidelines (Richards et al. 2015 PMID: 25741868, with internal and published modifications).

Blueprint Genetics
Classification: Likely benign. Last evaluated: 2024-11-14. Review status: criteria provided, single submitter. Criteria: ACMG Guidelines, 2015. Collection method: clinical testing. Allele origin: germline.

Ambry Genetics
Classification: Likely benign for Inborn genetic diseases. Last evaluated: 2022-04-07. Review status: criteria provided, single submitter. Criteria: Ambry Variant Classification Scheme 2023. Collection method: clinical testing. Allele origin: germline.

GeneDx
Classification: Likely benign. Last evaluated: 2021-04-16. Review status: criteria provided, single submitter. Criteria: GeneDx Variant Classification Process June 2021. Collection method: clinical testing. Allele origin: germline. Affected: yes.